The following is an entry in ClinVar:

NM_000038.6(APC):c.4166_4167del (p.Ser1389fs)

Gene: APC (APC regulator of Wnt signaling pathway; plus strand). Cytogenetic location: 5q22.2.
Variant type: Deletion.
Coding change: c.4166_4167del on transcript NM_000038.6 (MANE Select); coding-DNA positions 4166 to 4167, 2 bases deleted (CT; older notation c.4166_4167delCT).
Protein change: p.Ser1389fs; shifts the reading frame from serine 1389.
Molecular consequence: frameshift variant. On other transcripts: non-coding transcript variant (2).
Genome position (GRCh38, 1-based): chr5:112,839,760-112,839,761, CT deleted; deleting any 2 consecutive bases within chr5:112,839,759-112,839,761 gives the same sequence; the c. name uses the placement nearest the transcript's 3' end. VCF-style (leftmost placement, unchanged base first): chr5-112839758-TTC-T. GRCh37 (hg19) VCF-style: chr5-112175455-TTC-T.
Other names: c.4166_4167del, p.Ser1389fs (NM_001127510.3, NM_001354895.2, NM_001407450.1); c.4112_4113del, p.Ser1371fs (NM_001127511.3); c.4220_4221del, p.Ser1407fs (NM_001354896.2, NM_001407447.1, NM_001407448.1 and 1 more transcripts); c.4196_4197del, p.Ser1399fs (NM_001354897.2); c.4091_4092del, p.Ser1364fs (NM_001354898.2); c.4082_4083del, p.Ser1361fs (NM_001354899.2); c.4043_4044del, p.Ser1348fs (NM_001354900.2); c.3989_3990del, p.Ser1330fs (NM_001354901.2, NM_001407453.1); and 11 more; short protein forms S1005fs, S1106fs, S1229fs, S1260fs, S1263fs, S1288fs, S1298fs, S1306fs.
Identifiers: ClinVar variation 2584025 (VCV002584025.1), dbSNP rs2533553419, ClinGen allele CA645543762.
Genomic context (GRCh38, chr5:112,839,758, plus strand): 5'-ACCCAAAAGTCCACCTGAACACTATGTTCAGGAGACCCCACTCATGTTTAGCAGATGTAC[TTC>T]TGTCAGTTCACTTGATAGTTTTGAGAGTCGTTCGATTGCCAGCTCCGTTCAGAGTGAACC-3'

ClinVar aggregate classification (germline): Pathogenic (1 of 4 stars; one submission).

Conditions:
Familial adenomatous polyposis 1 (FAP1). Also called: FAMILIAL ADENOMATOUS POLYPOSIS 1, ATTENUATED; POLYPOSIS, ADENOMATOUS INTESTINAL. Identifiers: MedGen C2713442, MONDO:0021056, OMIM 175100. Disease mechanism: loss of function.

Submission:

Myriad Genetics, Inc.
Classification: Pathogenic for Familial adenomatous polyposis 1. Last evaluated: 2023-05-10. Review status: criteria provided, single submitter. Criteria: Myriad Autosomal Dominant, Autosomal Recessive and X-Linked Classification Criteria (2023). Collection method: clinical testing. Allele origin: unknown.
Comment: This variant is considered pathogenic. This variant creates a frameshift predicted to result in premature protein truncation.